The following is an entry in ClinVar:

ClinVar aggregate classification (germline): Uncertain significance (1 of 4 stars; one submission).

Conditions:
Cystic fibrosis (CF). Also called: MUCOVISCIDOSIS. Identifiers: Orphanet 586, MedGen C0010674, MONDO:0009061, OMIM 219700. Disease mechanism: loss of function.

Submission:

Ambry Genetics
Classification: Uncertain significance for Cystic fibrosis. Last evaluated: 2018-08-21. Review status: criteria provided, single submitter. Criteria: Ambry Variant Classification Scheme 2023. Collection method: clinical testing. Allele origin: germline.
Comment: The p.P1306H variant (also known as c.3917C>A), located in coding exon 24 of the CFTR gene, results from a C to A substitution at nucleotide position 3917. The proline at codon 1306 is replaced by histidine, an amino acid with similar properties. This amino acid position is highly conserved in available vertebrate species. In addition, this alteration is predicted to be deleterious by in silico analysis. Since supporting evidence is limited at this time, the clinical significance of this alteration remains unclear.

NM_000492.4(CFTR):c.3917C>A (p.Pro1306His)

Gene: CFTR (CF transmembrane conductance regulator; plus strand). Cytogenetic location: 7q31.2.
Variant type: single nucleotide variant.
Coding change: c.3917C>A on transcript NM_000492.4 (MANE Select); coding-DNA position 3917, C replaced by A.
Protein change: p.Pro1306His; replaces proline 1306 with histidine.
Molecular consequence: missense variant.
Genome position (GRCh38, 1-based): chr7:117,652,885, C>A. VCF-style: chr7-117652885-C-A. GRCh37 (hg19) VCF-style: chr7-117292939-C-A.
Other names: short protein forms P1306H.
Identifiers: ClinVar variation 1736151 (VCV001736151.2), dbSNP rs2485171143, ClinGen allele CA368978336.